The following is an entry in ClinVar:

ClinVar aggregate classification (germline): Uncertain significance (1 of 4 stars; one submission).

Conditions:
Familial hypercholesterolemia. Also called: Familial hypercholesterolaemia. Identifiers: MedGen C0020445, MONDO:0005439.

Submission:

Color Diagnostics, LLC DBA Color Health
Classification: Uncertain significance for Familial hypercholesterolemia. Last evaluated: 2025-05-12. Review status: criteria provided, single submitter. Criteria: ACMG Guidelines, 2015. Collection method: clinical testing. Allele origin: germline.
Comment: This missense variant replaces aspartic acid with glutamic acid at codon 70 of the PCSK9 protein. Computational prediction suggests that this variant may not impact protein structure and function. To our knowledge, functional studies have not been reported for this variant. This variant has not been reported in individuals affected with PCSK9-related disorders in the literature. This variant has been identified in 4/250284 chromosomes in the general population by the Genome Aggregation Database (gnomAD). The available evidence is insufficient to determine the role of this variant in disease conclusively. Therefore, this variant is classified as a Variant of Uncertain Significance.

NM_174936.4(PCSK9):c.210T>G (p.Asp70Glu)

Gene: PCSK9 (proprotein convertase subtilisin/kexin type 9; plus strand). Cytogenetic location: 1p32.3.
Variant type: single nucleotide variant.
Coding change: c.210T>G on transcript NM_174936.4 (MANE Select); coding-DNA position 210, T replaced by G.
Protein change: p.Asp70Glu; replaces aspartic acid 70 with glutamic acid.
Molecular consequence: missense variant. On other transcripts: 5 prime UTR variant (1), non-coding transcript variant (6), intron variant (1).
Genome position (GRCh38, 1-based): chr1:55,043,845, T>G. VCF-style: chr1-55043845-T-G. GRCh37 (hg19) VCF-style: chr1-55509518-T-G.
Other names: c.333T>G, p.Asp111Glu (NM_001407240.1); c.210T>G, p.Asp70Glu (NM_001407241.1, NM_001407242.1, NM_001407243.1 and 2 more transcripts); c.-166T>G (NM_001407246.1); c.208-2678T>G (NM_001407245.1); short protein forms D111E, D70E.
Identifiers: ClinVar variation 4758613 (VCV004758613.1).
Genomic context (GRCh38, chr1:55,043,845, plus strand): 5'-CACCTAGGGTTTGCTGGGTTTCTTCCATGTCATCATGTTCCTCCTTGCATGGGGCCAGGA[T>G]CCGTGGAGGTTGCCTGGCACCTACGTGGTGGTGCTGAAGGAGGAGACCCACCTCTCGCAG-3'
Protein context (NP_777596.2, residues 60-80): TTATFHRCAK[Asp70Glu]PWRLPGTYVV